The following is an entry in ClinVar:

ClinVar aggregate classification (germline): Pathogenic. Review status: criteria provided, single submitter (1 of 4 stars). 2 submissions from 2 submitters: Pathogenic (1). 1 of the submissions does not count toward it. Last evaluated 2025-12-03.

Conditions:
Hypercholesterolemia, autosomal dominant, type B (FHCL2). Also called: HYPERCHOLESTEROLEMIA, FAMILIAL, DUE TO LIGAND-DEFECTIVE APOLIPOPROTEIN B; Familial Hypercholesterolemia Type B; APOLIPOPROTEIN B-100, FAMILIAL DEFECTIVE; APOLIPOPROTEIN B-100, FAMILIAL LIGAND-DEFECTIVE; Familial hypercholesterolemia 2; APOB-Related Familial Hypercholesterolemia, Autosomal Dominant. Identifiers: MedGen C1704417, MONDO:0007751, OMIM 144010.
Familial hypobetalipoproteinemia 1. Also called: APOB-Related Familial Hypobetalipoproteinemia; Hypobetalipoproteinemia, normotriglyceridemic; Acanthocytosis with hypobetalipoproteinemia. Identifiers: MedGen C4551990, MONDO:0014252, OMIM 615558.
Familial hypobetalipoproteinemia (FHBL). Also called: Hypobetalipoproteinemia, familial, associated with apob31; Hypobetalipoproteinemia, familial, associated with apob39; Hypobetalipoproteinemia, familial, associated with apob40; Hypobetalipoproteinemia, familial, associated with apob90 or apob89; Hypobetalipoproteinemia, familial, associated with apob46; Hypobetalipoproteinemia, familial, associated with apob87. Identifiers: MedGen C1862596.

Allele frequency attached by ClinVar (database versions not stated): gnomAD 0.00001.
gnomAD v4.1: 3 of 1,613,916 alleles (0.00019%); highest among the groups gnomAD compares: Non-Finnish European, 0.00025%; no homozygotes.

Submissions (2):

Labcorp Genetics (formerly Invitae), Labcorp
Classification: Pathogenic for Familial hypobetalipoproteinemia 1; Hypercholesterolemia, autosomal dominant, type B. Last evaluated: 2025-12-03. Review status: criteria provided, single submitter. Criteria: Invitae Variant Classification Sherloc (09022015). Collection method: clinical testing. Allele origin: germline.
Comment: This sequence change creates a premature translational stop signal (p.Glu3545*) in the APOB gene. It is expected to result in an absent or disrupted protein product. Loss-of-function variants in APOB are known to be pathogenic (PMID: 20032471). This variant is not present in population databases (gnomAD no frequency). This premature translational stop signal has been observed in individual(s) with APOB-related conditions (PMID: 22095935). ClinVar contains an entry for this variant (Variation ID: 440522). For these reasons, this variant has been classified as Pathogenic.

Laboratorium voor Moleculaire Diagnostiek Experimentele Vasculaire Geneeskunde, Academisch Medisch Centrum
Classification: Pathogenic for Familial hypobetalipoproteinemia. Review status: no assertion criteria provided. Collection method: research. Allele origin: germline. Not counted in ClinVar's aggregate classification.

Literature cited by the submitters: PubMed 20032471 (cited by Labcorp Genetics (formerly Invitae), Labcorp); PubMed 22095935 (cited by Labcorp Genetics (formerly Invitae), Labcorp).

NM_000384.3(APOB):c.10633G>T (p.Glu3545Ter)

Gene: APOB (apolipoprotein B; minus strand). Cytogenetic location: 2p24.1.
Variant type: single nucleotide variant.
Coding change: c.10633G>T on transcript NM_000384.3 (MANE Select); coding-DNA position 10633, G replaced by T.
Protein change: p.Glu3545Ter; replaces glutamic acid 3545 with a stop codon.
Molecular consequence: nonsense.
Genome position (GRCh38, 1-based): chr2:21,006,235, C>A on the plus strand (G>T on the coding strand, the complement: APOB is on the minus strand). VCF-style: chr2-21006235-C-A. GRCh37 (hg19) VCF-style: chr2-21229107-C-A.
Other names: short protein forms E3545*.
Identifiers: ClinVar variation 440522 (VCV000440522.2), dbSNP rs759934326, ClinGen allele CA345985825.